The following is an entry in ClinVar:

ClinVar aggregate classification (germline): Uncertain significance (1 of 4 stars; one submission).

Submission:

Labcorp Genetics (formerly Invitae), Labcorp
Classification: Uncertain significance. Last evaluated: 2023-05-22. Review status: criteria provided, single submitter. Criteria: Invitae Variant Classification Sherloc (09022015). Collection method: clinical testing. Allele origin: germline.
Comment: In summary, the available evidence is currently insufficient to determine the role of this variant in disease. Therefore, it has been classified as a Variant of Uncertain Significance. Advanced modeling of protein sequence and biophysical properties (such as structural, functional, and spatial information, amino acid conservation, physicochemical variation, residue mobility, and thermodynamic stability) performed at Invitae indicates that this missense variant is not expected to disrupt SLC12A6 protein function. This variant has not been reported in the literature in individuals affected with SLC12A6-related conditions. This variant is not present in population databases (gnomAD no frequency). This sequence change replaces valine, which is neutral and non-polar, with leucine, which is neutral and non-polar, at codon 708 of the SLC12A6 protein (p.Val708Leu).

NM_001365088.1(SLC12A6):c.2122G>C (p.Val708Leu)

Gene: SLC12A6 (solute carrier family 12 member 6; minus strand). Cytogenetic location: 15q14.
Variant type: single nucleotide variant.
Coding change: c.2122G>C on transcript NM_001365088.1 (MANE Select); coding-DNA position 2122, G replaced by C.
Protein change: p.Val708Leu; replaces valine 708 with leucine.
Molecular consequence: missense variant.
Genome position (GRCh38, 1-based): chr15:34,242,142, C>G on the plus strand (G>C on the coding strand, the complement: SLC12A6 is on the minus strand). VCF-style: chr15-34242142-C-G. GRCh37 (hg19) VCF-style: chr15-34534343-C-G.
Other names: c.1945G>C, p.Val649Leu (NM_001042494.2, NM_001042495.2); c.2095G>C, p.Val699Leu (NM_001042496.2); c.2077G>C, p.Val693Leu (NM_001042497.2); c.1969G>C, p.Val657Leu (NM_005135.2); c.2122G>C, p.Val708Leu (NM_133647.2); short protein forms V649L, V657L, V693L, V699L, V708L.
Identifiers: ClinVar variation 2867116 (VCV002867116.3), dbSNP rs2509767354, ClinGen allele CA391620262.